The following is an entry in ClinVar:

ClinVar aggregate classification (germline): Uncertain significance. Review status: criteria provided, multiple submitters, no conflicts (2 of 4 stars). 3 submissions from 3 submitters: Uncertain significance (3). Last evaluated 2025-09-16.

Conditions:
Hereditary cancer-predisposing syndrome. Also called: Neoplastic Syndromes, Hereditary; Tumor predisposition; Hereditary Cancer Syndrome; Hereditary neoplastic syndrome. Identifiers: Orphanet 140162, MedGen C0027672, MeSH D009386, MONDO:0015356.

Allele frequency attached by ClinVar (database versions not stated): gnomAD exomes below 0.00001.
gnomAD v4.1: 2 of 1,613,682 alleles (0.00012%); highest among the groups gnomAD compares: Non-Finnish European, 0.00017%; no homozygotes.

Submissions (3):

Quest Diagnostics Nichols Institute San Juan Capistrano
Classification: Uncertain significance. Last evaluated: 2025-09-16. Review status: criteria provided, single submitter. Criteria: Quest Diagnostics criteria. Collection method: clinical testing. Allele origin: unknown.
Comment: The BRCA1 c.4493C>G (p.Pro1498Arg) variant has not been reported in individuals with BRCA1-related conditions in the published literature. This variant has not been reported in large, multi-ethnic general populations (Genome Aggregation Database). Analysis of this variant using bioinformatics tools for the prediction of the effect of amino acid changes on protein structure and function yielded predictions that this variant is benign. Based on the available information, we are unable to determine the clinical significance of this variant.

Color Diagnostics, LLC DBA Color Health
Classification: Uncertain significance for Hereditary cancer-predisposing syndrome. Last evaluated: 2025-07-10. Review status: criteria provided, single submitter. Criteria: ACMG Guidelines, 2015. Collection method: clinical testing. Allele origin: germline.
Comment: This missense variant replaces proline with arginine at codon 1498 of the BRCA1 protein. Computational prediction is inconclusive regarding the impact of this variant on protein structure and function. To our knowledge, functional studies have not been reported for this variant. A multifactorial analysis has reported a likelihood ratio for pathogenicity based on personal and family history of 0.6 from log(LR)=-0.2219 for one carrier (PMID: 31853058). This variant has not been identified in the general population by the Genome Aggregation Database (gnomAD). The available evidence is insufficient to determine the role of this variant in disease conclusively. Therefore, this variant is classified as a Variant of Uncertain Significance.

Ambry Genetics
Classification: Uncertain significance for Hereditary cancer-predisposing syndrome. Last evaluated: 2024-04-06. Review status: criteria provided, single submitter. Criteria: Ambry Variant Classification Scheme 2023. Collection method: clinical testing. Allele origin: germline.
Comment: The p.P1498R variant (also known as c.4493C>G), located in coding exon 13 of the BRCA1 gene, results from a C to G substitution at nucleotide position 4493. The proline at codon 1498 is replaced by arginine, an amino acid with dissimilar properties. This amino acid position is not well conserved in available vertebrate species. In addition, the in silico prediction for this alteration is inconclusive. Based on the available evidence, the clinical significance of this variant remains unclear.

Literature cited by the submitters: PubMed 31853058 (cited by Color Diagnostics, LLC DBA Color Health).

NM_007294.4(BRCA1):c.4493C>G (p.Pro1498Arg)

Gene: BRCA1 (BRCA1 DNA repair associated; minus strand). Cytogenetic location: 17q21.31.
Variant type: single nucleotide variant.
Coding change: c.4493C>G on transcript NM_007294.4 (MANE Select); coding-DNA position 4493, C replaced by G.
Protein change: p.Pro1498Arg; replaces proline 1498 with arginine.
Molecular consequence: missense variant. On other transcripts: non-coding transcript variant (1).
Genome position (GRCh38, 1-based): chr17:43,074,513, G>C on the plus strand (C>G on the coding strand, the complement: BRCA1 is on the minus strand). VCF-style: chr17-43074513-G-C. GRCh37 (hg19) VCF-style: chr17-41226530-G-C.
Other names: c.1040C>G, p.Pro347Arg (NM_001408459.1, NM_001408460.1, NM_001408461.1 and 7 more transcripts); c.1037C>G, p.Pro346Arg (NM_001408468.1, NM_001408469.1, NM_001408470.1); c.1181C>G, p.Pro394Arg (NM_001408472.1, NM_007298.4, NM_007299.4 and 13 more transcripts); c.1178C>G, p.Pro393Arg (NM_001408473.1, NM_001408392.1, NM_001408396.1 and 8 more transcripts); c.983C>G, p.Pro328Arg (NM_001408474.1); c.980C>G, p.Pro327Arg (NM_001408475.1, NM_001408476.1); c.974C>G, p.Pro325Arg (NM_001408478.1, NM_001408479.1, NM_001408480.1); c.971C>G, p.Pro324Arg (NM_001408481.1, NM_001408482.1, NM_001408483.1 and 5 more transcripts); and 68 more; short protein forms P1498R, P394R, P1451R, P1519R, P1202R, P1329R, P1387R, P1408R.
Identifiers: ClinVar variation 485378 (VCV000485378.9), dbSNP rs1555582079, ClinGen allele CA10592542.